The following is an entry in ClinVar:

NM_001365693.1(MGAM):c.5004C>T (p.Arg1668=)

Gene: MGAM (maltase-glucoamylase; plus strand). Cytogenetic location: 7q34.
Variant type: single nucleotide variant.
Coding change: c.5004C>T on transcript NM_001365693.1 (MANE Select); coding-DNA position 5004, C replaced by T.
Protein change: p.Arg1668=; no amino-acid change (arginine 1668 retained).
Molecular consequence: synonymous variant. On other transcripts: intron variant (1).
Genome position (GRCh38, 1-based): chr7:142,067,425, C>T. VCF-style: chr7-142067425-C-T. GRCh37 (hg19) VCF-style: chr7-141767225-C-T.
Other names: c.4618+1957C>T (NM_004668.3).
Identifiers: ClinVar variation 3057115 (VCV003057115.2), dbSNP rs7778384, ClinGen allele CA168123382.

ClinVar aggregate classification (germline): Likely benign (0 of 4 stars; one submission).

Conditions:
MGAM-related disorder. Also called: MGAM-related condition.

Allele frequency attached by ClinVar (database versions not stated): ExAC 0.00093; gnomAD exomes 0.00358; 1000 Genomes Project 0.00579; 1000 Genomes Project 30x 0.00812; gnomAD 0.01210.
gnomAD v4.1: 6,847 of 1,536,654 alleles (0.45%); highest among the groups gnomAD compares: African/African-American, 1.1%; 388 homozygotes.

Submission:

PreventionGenetics, part of Exact Sciences
Classification: Likely benign for MGAM-related condition. Last evaluated: 2023-06-08. Review status: no assertion criteria provided. Collection method: clinical testing. Allele origin: germline.
Comment: This variant is classified as likely benign based on ACMG/AMP sequence variant interpretation guidelines (Richards et al. 2015 PMID: 25741868, with internal and published modifications).